The following is an entry in ClinVar:

NM_000363.5(TNNI3):c.451G>A (p.Ala151Thr)

Gene: TNNI3 (troponin I3, cardiac type; minus strand). Cytogenetic location: 19q13.42.
Variant type: single nucleotide variant.
Coding change: c.451G>A on transcript NM_000363.5 (MANE Select); coding-DNA position 451, G replaced by A.
Protein change: p.Ala151Thr; replaces alanine 151 with threonine.
Molecular consequence: missense variant.
Genome position (GRCh38, 1-based): chr19:55,154,128, C>T on the plus strand (G>A on the coding strand, the complement: TNNI3 is on the minus strand). VCF-style: chr19-55154128-C-T. GRCh37 (hg19) VCF-style: chr19-55665496-C-T.
Other names: p.A151T:GCA>ACA; c.451G>A (LRG_432t1); short protein forms A151T.
Identifiers: ClinVar variation 181581 (VCV000181581.14), dbSNP rs730881072, ClinGen allele CA021690.
Genomic context (GRCh38, chr19:55,154,128, plus strand): 5'-CCCGCAGGTCCAGGGACTCCTTAGCCCGGGCCCCCAGCAGCGCCTGCATCATGGCATCTG[C>T]AGAGATCCTCACTCTCCGCAGGGTGGGCCGCTTAAACTTGCCTCGAAGGTCAAAGATCTT-3'
Protein context (NP_000354.4, residues 141-161): RPTLRRVRIS[Ala151Thr]DAMMQALLGA

ClinVar aggregate classification (germline): Uncertain significance. Review status: criteria provided, multiple submitters, no conflicts (2 of 4 stars). 3 submissions from 3 submitters: Uncertain significance (3). Last evaluated 2025-11-18.

Conditions:
Cardiovascular phenotype. Identifiers: MedGen CN230736.
Hypertrophic cardiomyopathy. Also called: HYPERTROPHIC MYOCARDIOPATHY. Identifiers: Orphanet 217569, MedGen C0007194, MeSH D002312, MONDO:0005045, HP:0001639.

Submissions (3):

Labcorp Genetics (formerly Invitae), Labcorp
Classification: Uncertain significance for Hypertrophic cardiomyopathy. Last evaluated: 2025-11-18. Review status: criteria provided, single submitter. Criteria: Invitae Variant Classification Sherloc (09022015). Collection method: clinical testing. Allele origin: germline.
Comment: This sequence change replaces alanine, which is neutral and non-polar, with threonine, which is neutral and polar, at codon 151 of the TNNI3 protein (p.Ala151Thr). This variant is not present in population databases (gnomAD no frequency). This missense change has been observed in individual(s) with dilated cardiomyopathy (internal data). ClinVar contains an entry for this variant (Variation ID: 181581). An algorithm developed to predict the effect of missense changes on protein structure and function (PolyPhen-2) suggests that this variant is likely to be disruptive. In summary, the available evidence is currently insufficient to determine the role of this variant in disease. Therefore, it has been classified as a Variant of Uncertain Significance.

GeneDx
Classification: Uncertain significance. Last evaluated: 2024-09-06. Review status: criteria provided, single submitter. Criteria: GeneDx Variant Classification Process June 2021. Collection method: clinical testing. Allele origin: germline. Affected: yes.
Comment: Has not been previously published as pathogenic or benign to our knowledge; In silico analysis supports that this missense variant has a deleterious effect on protein structure/function; Not observed at significant frequency in large population cohorts (gnomAD)

Ambry Genetics
Classification: Uncertain significance for Cardiovascular phenotype. Last evaluated: 2019-10-31. Review status: criteria provided, single submitter. Criteria: Ambry Variant Classification Scheme 2023. Collection method: clinical testing. Allele origin: germline.
Comment: The p.A151T variant (also known as c.451G>A), located in coding exon 7 of the TNNI3 gene, results from a G to A substitution at nucleotide position 451. The alanine at codon 151 is replaced by threonine, an amino acid with similar properties. This amino acid position is highly conserved in available vertebrate species. In addition, the in silico prediction for this alteration is inconclusive. Since supporting evidence is limited at this time, the clinical significance of this alteration remains unclear.